The following is an entry in ClinVar:

NM_130384.3(ATRIP):c.17C>T (p.Ala6Val)

Genes: ATRIP (ATR interacting protein; plus strand), ATRIP-TREX1 (ATRIP-TREX1 readthrough; plus strand), LOC129936703 (ATAC-STARR-seq lymphoblastoid silent region 14331; plus strand). Cytogenetic location: 3p21.31.
Variant type: single nucleotide variant.
Coding change: c.17C>T on transcript NM_130384.3 (MANE Select); coding-DNA position 17, C replaced by T.
Protein change: p.Ala6Val; replaces alanine 6 with valine.
Molecular consequence: missense variant. On other transcripts: non-coding transcript variant (1), intron variant (1).
Genome position (GRCh38, 1-based): chr3:48,446,862, C>T. VCF-style: chr3-48446862-C-T. GRCh37 (hg19) VCF-style: chr3-48488266-C-T.
Other names: c.17C>T, p.Ala6Val (NM_032166.4); c.-218+63C>T (NM_001271022.2); short protein forms A6V.
Identifiers: ClinVar variation 3464526 (VCV003464526.1).

ClinVar aggregate classification (germline): Uncertain significance (1 of 4 stars; one submission).

Submission:

Ambry Genetics
Classification: Uncertain significance. Last evaluated: 2024-11-25. Review status: criteria provided, single submitter. Criteria: Ambry Variant Classification Scheme 2023. Collection method: clinical testing. Allele origin: germline.
Comment: The p.A6V variant (also known as c.17C>T), located in coding exon 1 of the ATRIP gene, results from a C to T substitution at nucleotide position 17. The alanine at codon 6 is replaced by valine, an amino acid with similar properties. This amino acid position is conserved. In addition, this alteration is predicted to be tolerated by in silico analysis. Based on the available evidence, the clinical significance of this variant remains unclear.